The following is an entry in ClinVar:

ClinVar aggregate classification (germline): Uncertain significance (1 of 4 stars; one submission).

Conditions:
Tumor predisposition syndrome 3 (TPDS3). Also called: LONG TELOMERE SYNDROME, POT1-RELATED; POT1 Tumor Predisposition; Melanoma, cutaneous malignant, susceptibility to, 10; Glioma susceptibility 9. Identifiers: Orphanet 618, MedGen C4014476, MONDO:0014368, OMIM 615848.

Allele frequency attached by ClinVar (database versions not stated): ExAC 0.00001; gnomAD 0.00001; 1000 Genomes Project 30x 0.00016; 1000 Genomes Project 0.00020.

Submission:

Labcorp Genetics (formerly Invitae), Labcorp
Classification: Uncertain significance for Tumor predisposition syndrome 3. Last evaluated: 2022-05-16. Review status: criteria provided, single submitter. Criteria: Invitae Variant Classification Sherloc (09022015). Collection method: clinical testing. Allele origin: germline.
Comment: This sequence change replaces alanine, which is neutral and non-polar, with threonine, which is neutral and polar, at codon 532 of the POT1 protein (p.Ala532Thr). This variant also falls at the last nucleotide of exon 16, which is part of the consensus splice site for this exon. This variant is present in population databases (rs537377921, gnomAD 0.007%). This variant has not been reported in the literature in individuals affected with POT1-related conditions. Algorithms developed to predict the effect of missense changes on protein structure and function (SIFT, PolyPhen-2, Align-GVGD) all suggest that this variant is likely to be tolerated. Variants that disrupt the consensus splice site are a relatively common cause of aberrant splicing (PMID: 17576681, 9536098). Algorithms developed to predict the effect of sequence changes on RNA splicing suggest that this variant may disrupt the consensus splice site. In summary, the available evidence is currently insufficient to determine the role of this variant in disease. Therefore, it has been classified as a Variant of Uncertain Significance.

Literature cited by the submitters: PubMed 17576681; PubMed 9536098.

NM_015450.3(POT1):c.1594G>A (p.Ala532Thr)

Gene: POT1 (protection of telomeres 1; minus strand). Cytogenetic location: 7q31.33.
Variant type: single nucleotide variant.
Coding change: c.1594G>A on transcript NM_015450.3 (MANE Select); coding-DNA position 1594, G replaced by A.
Protein change: p.Ala532Thr; replaces alanine 532 with threonine.
Molecular consequence: missense variant. On other transcripts: non-coding transcript variant (2).
Genome position (GRCh38, 1-based): chr7:124,829,254, C>T on the plus strand (G>A on the coding strand, the complement: POT1 is on the minus strand). VCF-style: chr7-124829254-C-T. GRCh37 (hg19) VCF-style: chr7-124469308-C-T.
Other names: c.1201G>A, p.Ala401Thr (NM_001042594.2); short protein forms A532T, A401T.
Identifiers: ClinVar variation 1944011 (VCV001944011.5), dbSNP rs537377921, ClinGen allele CA4465069.
Genomic context (GRCh38, chr7:124,829,254, plus strand): 5'-TAGGTGAAATAACCTTGTAAACAAACAGTTAAAATTGCAGGGCATGGAAATTTAGCTAAC[C>T]TTCTGCCACAGAAGAAGGAATCCACGATGTTTTATCAACCAGGGAATTTAGATTTTGTAT-3'
Protein context (NP_056265.2, residues 522-542): TSWIPSSVAE[Ala532Thr]LGIVPLQYVF